The following is an entry in ClinVar:

ClinVar aggregate classification (germline): Uncertain significance (1 of 4 stars; one submission).

Submission:

Labcorp Genetics (formerly Invitae), Labcorp
Classification: Uncertain significance. Last evaluated: 2023-05-20. Review status: criteria provided, single submitter. Criteria: Invitae Variant Classification Sherloc (09022015). Collection method: clinical testing. Allele origin: germline.
Comment: In summary, the available evidence is currently insufficient to determine the role of this variant in disease. Therefore, it has been classified as a Variant of Uncertain Significance. Experimental studies and prediction algorithms are not available or were not evaluated, and the functional significance of this variant is currently unknown. This variant has not been reported in the literature in individuals affected with PALM-related conditions. This variant is a gross deletion of the genomic region encompassing exon(s) 8 of the PALM gene. This variant would be expected to be in-frame, preserving the integrity of the reading frame.

NC_000019.9:g.(?_740332)_(740503_?)del

Gene: PALM (paralemmin; plus strand). Cytogenetic location: 19p13.3.
Variant type: Deletion.
Identifiers: ClinVar variation 2424486 (VCV002424486.3).